The following is an entry in ClinVar:

NM_001364905.1(LRBA):c.7634A>T (p.His2545Leu)

Gene: LRBA (LPS responsive beige-like anchor protein; minus strand). Cytogenetic location: 4q31.3.
Variant type: single nucleotide variant.
Coding change: c.7634A>T on transcript NM_001364905.1 (MANE Select); coding-DNA position 7634, A replaced by T.
Protein change: p.His2545Leu; replaces histidine 2545 with leucine.
Molecular consequence: missense variant.
Genome position (GRCh38, 1-based): chr4:150,315,620, T>A on the plus strand (A>T on the coding strand, the complement: LRBA is on the minus strand). VCF-style: chr4-150315620-T-A. GRCh37 (hg19) VCF-style: chr4-151236772-T-A.
Other names: c.7634A>T, p.His2545Leu (NM_001199282.3); c.7649A>T, p.His2550Leu (NM_001367550.1); c.7667A>T, p.His2556Leu (NM_006726.5); short protein forms H2545L, H2550L, H2556L.
Identifiers: ClinVar variation 3766655 (VCV003766655.1).

ClinVar aggregate classification (germline): Uncertain significance (1 of 4 stars; one submission).

Conditions:
Combined immunodeficiency due to LRBA deficiency. Also called: Common variable immunodeficiency 8, with autoimmunity. Identifiers: Orphanet 445018, MedGen C3553512, MONDO:0013863, OMIM 614700.

gnomAD v4.1: 7 of 1,576,900 alleles (0.00044%); highest among the groups gnomAD compares: Non-Finnish European, 0.0006%; no homozygotes.

Submission:

ARUP Laboratories, Molecular Genetics and Genomics, ARUP Laboratories
Classification: Uncertain significance for Combined immunodeficiency due to LRBA deficiency. Last evaluated: 2024-06-06. Review status: criteria provided, single submitter. Criteria: ARUP Molecular Germline Variant Investigation Process 2024. Collection method: clinical testing. Allele origin: germline.
Comment: The LRBA c.7667A>T; p.His2556Leu variant (rs1344040462), to our knowledge, is not reported in the medical literature or gene specific databases. This variant is only observed on one allele in the Genome Aggregation Database (v2.1.1), indicating it is not a common polymorphism. Computational analyses are uncertain whether this variant is neutral or deleterious (REVEL: 0.427). Due to limited information, the clinical significance of this variant is uncertain at this time.